The following is an entry in ClinVar:

ClinVar aggregate classification (germline): Likely benign. Review status: criteria provided, multiple submitters, no conflicts (2 of 4 stars). 2 submissions from 2 submitters: Likely benign (2). Last evaluated 2025-11-30.

Allele frequency attached by ClinVar (database versions not stated): gnomAD 0.00006 and 0.00007; TOPMed 0.00017; 1000 Genomes Project 0.00040; 1000 Genomes Project 30x 0.00047; ExAC 0.00053; gnomAD exomes 0.00059.

Submissions (2):

Labcorp Genetics (formerly Invitae), Labcorp
Classification: Likely benign. Last evaluated: 2025-11-30. Review status: criteria provided, single submitter. Criteria: Invitae Variant Classification Sherloc (09022015). Collection method: clinical testing. Allele origin: germline.

Mayo Clinic Laboratories, Mayo Clinic
Classification: Likely benign. Last evaluated: 2025-04-14. Review status: criteria provided, single submitter. Criteria: ACMG Guidelines, 2015. Collection method: clinical testing. Allele origin: germline. Observed: 1 variant allele.
Comment: BS1, BP4

NM_000063.6(C2):c.1588G>A (p.Gly530Ser)

Gene: C2 (complement C2; plus strand). Cytogenetic location: 6p21.33.
Variant type: single nucleotide variant.
Coding change: c.1588G>A on transcript NM_000063.6 (MANE Select); coding-DNA position 1588, G replaced by A.
Protein change: p.Gly530Ser; replaces glycine 530 with serine.
Molecular consequence: missense variant.
Genome position (GRCh38, 1-based): chr6:31,943,664, G>A. VCF-style: chr6-31943664-G-A. GRCh37 (hg19) VCF-style: chr6-31911441-G-A.
Other names: p.Gly530Ser; c.1192G>A, p.Gly398Ser (NM_001145903.3); c.946G>A, p.Gly316Ser (NM_001178063.3); c.850G>A, p.Gly284Ser (NM_001282457.2); c.1501G>A, p.Gly501Ser (NM_001282458.2); short protein forms G284S, G316S, G398S, G501S, G530S.
Identifiers: ClinVar variation 1085424 (VCV001085424.10), dbSNP rs575285827, ClinGen allele CA3727747.